The following is an entry in ClinVar:

ClinVar aggregate classification (germline): Uncertain significance (1 of 4 stars; one submission).

Allele frequency attached by ClinVar (database versions not stated): gnomAD exomes below 0.00001.

Submission:

Ambry Genetics
Classification: Uncertain significance. Last evaluated: 2025-06-01. Review status: criteria provided, single submitter. Criteria: Ambry Variant Classification Scheme 2023. Collection method: clinical testing. Allele origin: germline.
Comment: The p.R645T variant (also known as c.1934G>C), located in coding exon 1 of the MLH3 gene, results from a G to C substitution at nucleotide position 1934. The arginine at codon 645 is replaced by threonine, an amino acid with similar properties. This amino acid position is conserved. In addition, this alteration is predicted to be tolerated by in silico analysis. Since supporting evidence is limited at this time, the clinical significance of this alteration remains unclear.

NM_001040108.2(MLH3):c.1934G>C (p.Arg645Thr)

Gene: MLH3 (mutL homolog 3; minus strand). Cytogenetic location: 14q24.3.
Variant type: single nucleotide variant.
Coding change: c.1934G>C on transcript NM_001040108.2 (MANE Select); coding-DNA position 1934, G replaced by C.
Protein change: p.Arg645Thr; replaces arginine 645 with threonine.
Molecular consequence: missense variant.
Genome position (GRCh38, 1-based): chr14:75,047,722, C>G on the plus strand (G>C on the coding strand, the complement: MLH3 is on the minus strand). VCF-style: chr14-75047722-C-G. GRCh37 (hg19) VCF-style: chr14-75514425-C-G.
Other names: c.1934G>C, p.Arg645Thr (NM_014381.3); short protein forms R645T.
Identifiers: ClinVar variation 2497064 (VCV002497064.3), dbSNP rs2139573303, ClinGen allele CA390443718.
Genomic context (GRCh38, chr14:75,047,722, plus strand): 5'-TCTTTACTTAAAGTGCTGGCTAAATCTTTGATGTCTGGAGTTTCAACTGAATGACGTGTT[C>G]TATTTCCAAATGTTTCTTGGGCACGTGTGGGACCAGGTCTAACATAATTTTTAAATGAAT-3'
Protein context (NP_001035197.1, residues 635-655): PTRAQETFGN[Arg645Thr]TRHSVETPDI